The following is an entry in ClinVar:

NM_002519.3(NPAT):c.1112C>A (p.Ser371Tyr)

Gene: NPAT (nuclear protein, coactivator of histone transcription; minus strand). Cytogenetic location: 11q22.3.
Variant type: single nucleotide variant.
Coding change: c.1112C>A on transcript NM_002519.3 (MANE Select); coding-DNA position 1112, C replaced by A.
Protein change: p.Ser371Tyr; replaces serine 371 with tyrosine.
Molecular consequence: missense variant.
Genome position (GRCh38, 1-based): chr11:108,176,266, G>T on the plus strand (C>A on the coding strand, the complement: NPAT is on the minus strand). VCF-style: chr11-108176266-G-T. GRCh37 (hg19) VCF-style: chr11-108046993-G-T.
Other names: c.1112C>A, p.Ser371Tyr (NM_001321307.1); short protein forms S371Y.
Identifiers: ClinVar variation 3407182 (VCV003407182.1).

ClinVar aggregate classification (germline): Uncertain significance (1 of 4 stars; one submission).

gnomAD v4.1: 1 of 1,582,828 alleles (0.000063%); highest among the groups gnomAD compares: Non-Finnish European, 0.000087%; no homozygotes.

Submission:

Ambry Genetics
Classification: Uncertain significance. Last evaluated: 2024-08-01. Review status: criteria provided, single submitter. Criteria: Ambry Variant Classification Scheme 2023. Collection method: clinical testing. Allele origin: germline.
Comment: The p.S371Y variant (also known as c.1112C>A), located in coding exon 12 of the NPAT gene, results from a C to A substitution at nucleotide position 1112. The serine at codon 371 is replaced by tyrosine, an amino acid with dissimilar properties. This amino acid position is conserved. In addition, this alteration is predicted to be tolerated by in silico analysis. Based on the available evidence, the clinical significance of this variant remains unclear.